The following is an entry in ClinVar:

GRCh37/hg19 19q11-13.13(chr19:28271107-38637350)x1

Genes: ALKBH6 (alkB homolog 6; minus strand), ANKRD27 (ankyrin repeat domain 27; minus strand), APLP1 (amyloid beta precursor like protein 1; plus strand), ARHGAP33 (Rho GTPase activating protein 33; plus strand), ATP4A (ATPase H+/K+ transporting subunit alpha; minus strand) and 125 more. Cytogenetic location: 19q11-13.13.
Variant type: copy number loss.
Change: copy number 1 (one copy instead of two) of chr19:28,271,107-38,637,350 (10.37 Mb, GRCh37 coordinates, 1-based), cytogenetic band 19q11-13.13.
Identifiers: ClinVar variation 3391938 (VCV003391938.1).

ClinVar aggregate classification (germline): Pathogenic (1 of 4 stars; one submission).

Submission:

Quest Diagnostics Nichols Institute San Juan Capistrano
Classification: Pathogenic. Last evaluated: 2023-10-26. Review status: criteria provided, single submitter. Criteria: ACMG/ClinGen CNV Guidelines, 2019. Collection method: clinical testing. Allele origin: unknown.
Comment: This deletion includes both the distal (OMIM 613026) and proximal (OMIM 617219) regions associated with chromosome 19q13.11 deletion syndrome. Deletions similar to or contained within the current interval have been reported in individuals with various phenotypes (Caubit 2016, Chowdhury 2014, Malan 2009, Meyer 2017, de Rojas 2016, Urquhart 2015). Additionally, haploinsufficiency of KMT2B is associated with autosomal dominant childhood-onset dystonia-28 (DYT28; OMIM 617284, Abela 2022). There are no similar copy number losses of this region in the general populations of the Database of Genomic Variants. Therefore, this CNV is classified as pathogenic. References: Abela et al., GeneReviews [Internet]. Seattle (WA): University of Washington, Seattle; 1993–2023. PMID: 29697234; Caubit et al., Nat Genet. 2016 Nov;48(11):1359-1369. PMID: 27668656; Chowdhury et al., Am J Med Genet A. 2014 Jan;164A(1):62-9. PMID: 24243649; Malan et al., J Med Genet. 2009 Sep;46(9):635-40. PMID: 19126570; Meyer et al., Nat Genet. 2017 Feb;49(2):223-237. PMID: 27992417; de Rojas et al., CEN Case Rep. 2016 May;5(1):67-69. PMID: 28509170; Urquhart et al., J Hum Genet. 2015 Dec;60(12):781-5. PMID: 26377242